The following is an entry in ClinVar:

ClinVar aggregate classification (germline): Uncertain significance (1 of 4 stars; one submission).

Allele frequency attached by ClinVar (database versions not stated): gnomAD 0.00001.
gnomAD v4.1: 46 of 1,614,036 alleles (0.0028%); highest among the groups gnomAD compares: Non-Finnish European, 0.0035%; no homozygotes.

Submission:

Labcorp Genetics (formerly Invitae), Labcorp
Classification: Uncertain significance. Last evaluated: 2023-08-24. Review status: criteria provided, single submitter. Criteria: Invitae Variant Classification Sherloc (09022015). Collection method: clinical testing. Allele origin: germline.
Comment: In summary, the available evidence is currently insufficient to determine the role of this variant in disease. Therefore, it has been classified as a Variant of Uncertain Significance. Algorithms developed to predict the effect of missense changes on protein structure and function output the following: SIFT: "Not Available"; PolyPhen-2: "Benign"; Align-GVGD: "Not Available". The lysine amino acid residue is found in multiple mammalian species, which suggests that this missense change does not adversely affect protein function. ClinVar contains an entry for this variant (Variation ID: 2076049). This variant has not been reported in the literature in individuals affected with QRSL1-related conditions. This variant is present in population databases (no rsID available, gnomAD 0.007%). This sequence change replaces glutamic acid, which is acidic and polar, with lysine, which is basic and polar, at codon 159 of the QRSL1 protein (p.Glu159Lys).

NM_018292.5(QRSL1):c.475G>A (p.Glu159Lys)

Gene: QRSL1 (glutaminyl-tRNA amidotransferase subunit QRSL1; plus strand). Cytogenetic location: 6q21.
Variant type: single nucleotide variant.
Coding change: c.475G>A on transcript NM_018292.5 (MANE Select); coding-DNA position 475, G replaced by A.
Protein change: p.Glu159Lys; replaces glutamic acid 159 with lysine.
Molecular consequence: missense variant.
Genome position (GRCh38, 1-based): chr6:106,649,119, G>A. VCF-style: chr6-106649119-G-A. GRCh37 (hg19) VCF-style: chr6-107096994-G-A.
Other names: short protein forms E159K.
Identifiers: ClinVar variation 2076049 (VCV002076049.4), dbSNP rs891606362, ClinGen allele CA144970540.
Genomic context (GRCh38, chr6:106,649,119, plus strand): 5'-AAAAACCCCTGGAGTTATTCAAAACAATATAGAGAAAAGAGGAAGCAGAATCCCCACAGC[G>A]AGAATGAAGATTCAGACTGGCTGATAACTGGAGGAAGCTCAGGTGGGAGTGCAGCTGCTG-3'
Protein context (NP_060762.3, residues 149-169): REKRKQNPHS[Glu159Lys]NEDSDWLITG